The following is an entry in ClinVar:

NM_012448.4(STAT5B):c.2334C>T (p.Asp778=)

Gene: STAT5B (signal transducer and activator of transcription 5B; minus strand). Cytogenetic location: 17q21.2.
Variant type: single nucleotide variant.
Coding change: c.2334C>T on transcript NM_012448.4 (MANE Select); coding-DNA position 2334, C replaced by T.
Protein change: p.Asp778=; no amino-acid change (aspartic acid 778 retained).
Molecular consequence: synonymous variant.
Genome position (GRCh38, 1-based): chr17:42,201,768, G>A on the plus strand (C>T on the coding strand, the complement: STAT5B is on the minus strand). VCF-style: chr17-42201768-G-A. GRCh37 (hg19) VCF-style: chr17-40353786-G-A.
Identifiers: ClinVar variation 2079090 (VCV002079090.5), dbSNP rs760154055, ClinGen allele CA8573795.

ClinVar aggregate classification (germline): Likely benign. Review status: criteria provided, single submitter (1 of 4 stars). 2 submissions from 2 submitters: Likely benign (1). 1 of the submissions does not count toward it. Last evaluated 2025-12-01.

Conditions:
STAT5B-related disorder. Also called: STAT5B-related condition.
Growth hormone insensitivity with immune dysregulation 1, autosomal recessive. Also called: GROWTH HORMONE INSENSITIVITY DUE TO POSTRECEPTOR DEFECT; GROWTH HORMONE INSENSITIVITY SYNDROME WITH IMMUNE DYSREGULATION 1, AUTOSOMAL RECESSIVE; LARON SYNDROME DUE TO POSTRECEPTOR DEFECT; Laron syndrome with immunodeficiency. Identifiers: Orphanet 220465, MedGen C5435698, MONDO:0100211, OMIM 245590.

Allele frequency attached by ClinVar (database versions not stated): gnomAD 0.00001; ExAC 0.00002; gnomAD exomes 0.00003.
gnomAD v4.1: 42 of 1,613,884 alleles (0.0026%); highest among the groups gnomAD compares: Middle Eastern, 0.082%; no homozygotes.

Submissions (2):

Labcorp Genetics (formerly Invitae), Labcorp
Classification: Likely benign for Growth hormone insensitivity with immune dysregulation 1, autosomal recessive. Last evaluated: 2025-12-01. Review status: criteria provided, single submitter. Criteria: Invitae Variant Classification Sherloc (09022015). Collection method: clinical testing. Allele origin: germline.

PreventionGenetics, part of Exact Sciences
Classification: Likely benign for STAT5B-related condition. Last evaluated: 2024-03-11. Review status: no assertion criteria provided. Collection method: clinical testing. Allele origin: germline. Not counted in ClinVar's aggregate classification.
Comment: This variant is classified as likely benign based on ACMG/AMP sequence variant interpretation guidelines (Richards et al. 2015 PMID: 25741868, with internal and published modifications).